The following is an entry in ClinVar:

ClinVar aggregate classification (germline): Likely pathogenic (1 of 4 stars; one submission).

Conditions:
Junctional epidermolysis bullosa. Identifiers: Orphanet 305, MedGen C0079301, MONDO:0017612.

Submission:

Myriad Genetics, Inc.
Classification: Likely pathogenic for Junctional epidermolysis bullosa. Last evaluated: 2022-02-17. Review status: criteria provided, single submitter. Criteria: Myriad Autosomal Dominant, Autosomal Recessive and X-Linked Classification Criteria (2023). Collection method: clinical testing. Allele origin: unknown.
Comment: NM_000228.2(LAMB3):c.239_240delAC(H80Pfs*20) is expected to be pathogenic in the context of junctional epidermolysis bullosa, LAMB3-related. This variant is predicted to lead to an abnormal or absent protein product due to the creation of a premature termination codon in LAMB3, a gene where loss-of-function variants are known to be pathogenic. Please note: this variant was assessed in the context of healthy population screening.

NM_000228.3(LAMB3):c.239_240del (p.His80fs)

Gene: LAMB3 (laminin subunit beta 3; minus strand). Cytogenetic location: 1q32.2.
Variant type: Deletion.
Coding change: c.239_240del on transcript NM_000228.3 (MANE Select); coding-DNA positions 239 to 240, 2 bases deleted (AC; older notation c.239_240delAC).
Protein change: p.His80fs; shifts the reading frame from histidine 80.
Molecular consequence: frameshift variant.
Genome position (GRCh38, 1-based): chr1:209,638,592-209,638,593, GT deleted on the plus strand (AC on the coding strand, the reverse complement: LAMB3 is on the minus strand); deleting any 2 consecutive bases within chr1:209,638,592-209,638,594 gives the same sequence; the c. name uses the placement nearest the transcript's 3' end. VCF-style (leftmost placement, unchanged base first): chr1-209638591-GGT-G. GRCh37 (hg19) VCF-style: chr1-209811936-GGT-G.
Other names: c.239_240del, p.His80fs (NM_001017402.2, NM_001127641.1); short protein forms H80fs.
Identifiers: ClinVar variation 1724429 (VCV001724429.3), dbSNP rs2464898853, ClinGen allele CA2580061987.